The following is an entry in ClinVar:

ClinVar aggregate classification (germline): Likely pathogenic (1 of 4 stars; one submission).

Allele frequency attached by ClinVar (database versions not stated): TOPMed below 0.00001; gnomAD 0.00001.
gnomAD v4.1: 6 of 1,579,070 alleles (0.00038%); highest among the groups gnomAD compares: Non-Finnish European, 0.00035%; no homozygotes.

Submission:

Labcorp Genetics (formerly Invitae), Labcorp
Classification: Likely pathogenic. Last evaluated: 2022-02-08. Review status: criteria provided, single submitter. Criteria: Invitae Variant Classification Sherloc (09022015). Collection method: clinical testing. Allele origin: germline.
Comment: This sequence change affects an acceptor splice site in intron 11 of the IFT81 gene. It is expected to disrupt RNA splicing. Variants that disrupt the donor or acceptor splice site typically lead to a loss of protein function (PMID: 16199547), and loss-of-function variants in IFT81 are known to be pathogenic (PMID: 26275418, 27666822). This variant is present in population databases (no rsID available, gnomAD 0.007%). This variant has not been reported in the literature in individuals affected with IFT81-related conditions. ClinVar contains an entry for this variant (Variation ID: 1067750). Algorithms developed to predict the effect of sequence changes on RNA splicing suggest that this variant may disrupt the consensus splice site. In summary, the currently available evidence indicates that the variant is pathogenic, but additional data are needed to prove that conclusively. Therefore, this variant has been classified as Likely Pathogenic.

Literature cited by the submitters: PubMed 16199547; PubMed 26275418; PubMed 27666822.

NM_014055.4(IFT81):c.1189-2A>T

Gene: IFT81 (intraflagellar transport 81; plus strand). Cytogenetic location: 12q24.11.
Variant type: single nucleotide variant.
Coding change: c.1189-2A>T on transcript NM_014055.4 (MANE Select); the canonical splice acceptor site of the intron before coding-DNA position 1189, A replaced by T.
Molecular consequence: splice acceptor variant.
Genome position (GRCh38, 1-based): chr12:110,180,420, A>T. VCF-style: chr12-110180420-A-T. GRCh37 (hg19) VCF-style: chr12-110618225-A-T.
Other names: c.259-2A>T (NM_001347948.2, NM_001347947.2); c.1189-2A>T (NM_001143779.2).
Identifiers: ClinVar variation 1067750 (VCV001067750.7), dbSNP rs1365439707, ClinGen allele CA386916666.
Genomic context (GRCh38, chr12:110,180,420, plus strand): 5'-ATGTATGATATTTAGCTACTACTTTTCTACTCATTAGATTACATATTGTGTTTTTTTTAC[A>T]GTTCAAACGATATGTCAATAAACTTCGAAGCAAGAGTACAGTTTTCAAAAAGAAGCATCA-3'